The following is an entry in ClinVar:

NM_024700.4(SNIP1):c.232C>G (p.Pro78Ala)

Gene: SNIP1 (Smad nuclear interacting protein 1; minus strand). Cytogenetic location: 1p34.3.
Variant type: single nucleotide variant.
Coding change: c.232C>G on transcript NM_024700.4 (MANE Select); coding-DNA position 232, C replaced by G.
Protein change: p.Pro78Ala; replaces proline 78 with alanine.
Molecular consequence: missense variant.
Genome position (GRCh38, 1-based): chr1:37,552,740, G>C on the plus strand (C>G on the coding strand, the complement: SNIP1 is on the minus strand). VCF-style: chr1-37552740-G-C. GRCh37 (hg19) VCF-style: chr1-38018341-G-C.
Other names: c.232C>G (NM_024700.2); short protein forms P78A.
Identifiers: ClinVar variation 1385384 (VCV001385384.9), dbSNP rs765154628, ClinGen allele CA771390.
Genomic context (GRCh38, chr1:37,552,740, plus strand): 5'-GGTTTCTCTTACTGCGAGGAGACTTGCTTCTTCTCCCTGAGGCCTTGTTTTTCTTTTTGG[G>C]TGGGGACCTATTCAGAGCATGGTACACAGGATTTTATCGCAATTTCCCTTCCCCCATAAA-3'
Protein context (NP_078976.2, residues 68-88): NRARGVSRSP[Pro78Ala]KKKNKASGRR

ClinVar aggregate classification (germline): Conflicting classifications of pathogenicity. Review status: criteria provided, conflicting classifications (1 of 4 stars). 2 submissions from 2 submitters: Uncertain significance (1); Likely benign (1). Last evaluated 2025-07-23.

Allele frequency attached by ClinVar (database versions not stated): ExAC 0.00001; gnomAD exomes 0.00001; gnomAD 0.00002 and 0.00003; TOPMed 0.00011.
gnomAD v4.1: 8 of 1,613,832 alleles (0.0005%); highest among the groups gnomAD compares: Admixed American, 0.0083%; no homozygotes.

Submissions (2):

Labcorp Genetics (formerly Invitae), Labcorp
Classification: Uncertain significance. Last evaluated: 2025-07-23. Review status: criteria provided, single submitter. Criteria: Invitae Variant Classification Sherloc (09022015). Collection method: clinical testing. Allele origin: germline.
Comment: This sequence change replaces proline, which is neutral and non-polar, with alanine, which is neutral and non-polar, at codon 78 of the SNIP1 protein (p.Pro78Ala). This variant is present in population databases (rs765154628, gnomAD 0.006%). This variant has not been reported in the literature in individuals affected with SNIP1-related conditions. ClinVar contains an entry for this variant (Variation ID: 1385384). Invitae Evidence Modeling of protein sequence and biophysical properties (such as structural, functional, and spatial information, amino acid conservation, physicochemical variation, residue mobility, and thermodynamic stability) indicates that this missense variant is not expected to disrupt SNIP1 protein function with a negative predictive value of 80%. In summary, the available evidence is currently insufficient to determine the role of this variant in disease. Therefore, it has been classified as a Variant of Uncertain Significance.

Ambry Genetics
Classification: Likely benign. Last evaluated: 2023-11-03. Review status: criteria provided, single submitter. Criteria: Ambry Variant Classification Scheme 2023. Collection method: clinical testing. Allele origin: germline.